The following is an entry in ClinVar:

ClinVar aggregate classification (germline): Uncertain significance (1 of 4 stars; one submission).

Conditions:
Hereditary cancer-predisposing syndrome. Also called: Neoplastic Syndromes, Hereditary; Tumor predisposition; Hereditary neoplastic syndrome; Hereditary Cancer Syndrome. Identifiers: Orphanet 140162, MedGen C0027672, MeSH D009386, MONDO:0015356.

Submission:

Ambry Genetics
Classification: Uncertain significance for Hereditary cancer-predisposing syndrome. Last evaluated: 2026-07-27. Review status: criteria provided, single submitter. Criteria: Ambry Variant Classification Scheme 2023. Collection method: clinical testing. Allele origin: germline.
Comment: The p.P60H variant (also known as c.179C>A), located in coding exon 2 of the BARD1 gene, results from a C to A substitution at nucleotide position 179. The proline at codon 60 is replaced by histidine, an amino acid with similar properties. This amino acid position is conserved. In addition, this alteration is predicted to be deleterious by in silico analysis. Based on the available evidence, the clinical significance of this variant remains unclear.

NM_000465.4(BARD1):c.179C>A (p.Pro60His)

Gene: BARD1 (BRCA1 associated RING domain 1; minus strand). Cytogenetic location: 2q35.
Variant type: single nucleotide variant.
Coding change: c.179C>A on transcript NM_000465.4 (MANE Select); coding-DNA position 179, C replaced by A.
Protein change: p.Pro60His; replaces proline 60 with histidine.
Molecular consequence: missense variant. On other transcripts: non-coding transcript variant (2), intron variant (2).
Genome position (GRCh38, 1-based): chr2:214,797,097, G>T on the plus strand (C>A on the coding strand, the complement: BARD1 is on the minus strand). VCF-style: chr2-214797097-G-T. GRCh37 (hg19) VCF-style: chr2-215661821-G-T.
Other names: c.179C>A, p.Pro60His (NM_001282545.2, NM_001282549.2); c.158+12315C>A (NM_001282548.2); c.159-4652C>A (NM_001282543.2); short protein forms P60H.
Identifiers: ClinVar variation 5032807 (VCV005032807.1).
Genomic context (GRCh38, chr2:214,797,097, plus strand): 5'-ATACATCAAACCGTAATTACTTACCTACAGAAGATGTGCTCACATCCTCCTAAACACACA[G>T]GCTCTCTCAGAATGTTAGTACTGTTTGAAGAAATTAAAACAATCAAGATTTGAGTCATTG-3'
Protein context (NP_000456.2, residues 50-70): CSRCTNILRE[Pro60His]VCLGGCEHIF